The following is an entry in ClinVar:

NM_020975.6(RET):c.350C>T (p.Pro117Leu)

Gene: RET (ret proto-oncogene; plus strand). Cytogenetic location: 10q11.21.
Variant type: single nucleotide variant.
Coding change: c.350C>T on transcript NM_020975.6 (MANE Select); coding-DNA position 350, C replaced by T.
Protein change: p.Pro117Leu; replaces proline 117 with leucine.
Molecular consequence: missense variant. On other transcripts: intron variant (22).
Genome position (GRCh38, 1-based): chr10:43,102,354, C>T. VCF-style: chr10-43102354-C-T. GRCh37 (hg19) VCF-style: chr10-43597802-C-T.
Other names: c.350C>T, p.Pro117Leu (NM_000323.2, NM_001406743.1, NM_001406744.1 and 16 more transcripts); c.338-117C>T (NM_001406764.1, NM_001406762.1, NM_001406761.1 and 4 more transcripts); c.337+1632C>T (NM_001406770.1, NM_001406766.1, NM_001406767.1 and 8 more transcripts); c.74-6677C>T (NM_001406784.1); c.74-9745C>T (NM_001406794.1, NM_001406792.1, NM_001406793.1); short protein forms P117L.
Identifiers: ClinVar variation 2849014 (VCV002849014.3), dbSNP rs763295929, ClinGen allele CA376770643.
Genomic context (GRCh38, chr10:43,102,354, plus strand): 5'-CCTGGCAGATGTGGCCGATGCCCCCACAGACCTGACTTCTCTCTGCAGACCGCGGCTTTC[C>T]CCTGCTCACCGTCTACCTCAAGGTCTTCCTGTCACCCACATCCCTTCGTGAGGGCGAGTG-3'
Protein context (NP_066124.1, residues 107-127): EKLSVRNRGF[Pro117Leu]LLTVYLKVFL

ClinVar aggregate classification (germline): Uncertain significance (1 of 4 stars; one submission).

Conditions:
Multiple endocrine neoplasia, type 2 (MEN2). Identifiers: Orphanet 653, MedGen C4048306, MONDO:0019003. Disease mechanism: gain of function.

Submission:

Labcorp Genetics (formerly Invitae), Labcorp
Classification: Uncertain significance for Multiple endocrine neoplasia, type 2. Last evaluated: 2023-04-21. Review status: criteria provided, single submitter. Criteria: Invitae Variant Classification Sherloc (09022015). Collection method: clinical testing. Allele origin: germline.
Comment: This variant is not present in population databases (gnomAD no frequency). This sequence change replaces proline, which is neutral and non-polar, with leucine, which is neutral and non-polar, at codon 117 of the RET protein (p.Pro117Leu). This variant has not been reported in the literature in individuals affected with RET-related conditions. An algorithm developed to predict the effect of missense changes on protein structure and function (PolyPhen-2) suggests that this variant is likely to be tolerated. In summary, the available evidence is currently insufficient to determine the role of this variant in disease. Therefore, it has been classified as a Variant of Uncertain Significance.